The following is an entry in ClinVar:

NM_001384474.1(LOXHD1):c.2047+1G>T

Gene: LOXHD1 (lipoxygenase homology PLAT domains 1; minus strand). Cytogenetic location: 18q21.1.
Variant type: single nucleotide variant.
Coding change: c.2047+1G>T on transcript NM_001384474.1 (MANE Select); the canonical splice donor site of the intron after coding-DNA position 2047, G replaced by T.
Molecular consequence: splice donor variant.
Genome position (GRCh38, 1-based): chr18:46,572,085, C>A on the plus strand (G>T on the coding strand, the complement: LOXHD1 is on the minus strand). VCF-style: chr18-46572085-C-A. GRCh37 (hg19) VCF-style: chr18-44152048-C-A.
Other names: c.2047+1G>T (NM_144612.7).
Identifiers: ClinVar variation 654972 (VCV000654972.8), dbSNP rs867069460, ClinGen allele CA402376232.
Genomic context (GRCh38, chr18:46,572,085, plus strand): 5'-TGAGGGAAGGCCCCTGTCTCACCAAGGGCACACCCAGCACCTGGTCATCAGGACAACTCA[C>A]TCTTCAGTGTCGCGCTGCTGTCACTGGGTAGCAACTCTCGGACCAGCTGCCCATCATCCT-3'

ClinVar aggregate classification (germline): Likely pathogenic. Review status: criteria provided, multiple submitters, no conflicts (2 of 4 stars). 2 submissions from 2 submitters: Likely pathogenic (2). Last evaluated 2021-10-14.

Conditions:
Autosomal recessive nonsyndromic hearing loss 77. Identifiers: Orphanet 90636, MedGen C2746083, MONDO:0013119, OMIM 613079.

Submissions (2):

Labcorp Genetics (formerly Invitae), Labcorp
Classification: Likely pathogenic. Last evaluated: 2021-10-14. Review status: criteria provided, single submitter. Criteria: Invitae Variant Classification Sherloc (09022015). Collection method: clinical testing. Allele origin: germline.
Comment: ClinVar contains an entry for this variant (Variation ID: 654972). This variant has not been reported in the literature in individuals affected with LOXHD1-related conditions. This variant is not present in population databases (ExAC no frequency). This sequence change affects a donor splice site in intron 15 of the LOXHD1 gene. It is expected to disrupt RNA splicing. Variants that disrupt the donor or acceptor splice site typically lead to a loss of protein function (PMID: 16199547), and loss-of-function variants in LOXHD1 are known to be pathogenic (PMID: 19732867, 21465660, 25792669). Algorithms developed to predict the effect of sequence changes on RNA splicing suggest that this variant may disrupt the consensus splice site. In summary, the currently available evidence indicates that the variant is pathogenic, but additional data are needed to prove that conclusively. Therefore, this variant has been classified as Likely Pathogenic.

Juno Genomics, Hangzhou Juno Genomics, Inc
Classification: Likely pathogenic for Autosomal recessive nonsyndromic hearing loss 77. Review status: criteria provided, single submitter. Criteria: ACMG Guidelines, 2015. Collection method: clinical testing. Allele origin: germline. Affected: yes.
Comment: Absent from controls (or at extremely low frequency if recessive) in Genome Aggregation Database.;Null variant in a gene where loss of function (LOF) is a known mechanism of disease.

Literature cited by the submitters: PubMed 16199547 (cited by Labcorp Genetics (formerly Invitae), Labcorp); PubMed 19732867 (cited by Labcorp Genetics (formerly Invitae), Labcorp); PubMed 21465660 (cited by Labcorp Genetics (formerly Invitae), Labcorp); PubMed 25792669 (cited by Labcorp Genetics (formerly Invitae), Labcorp).